The following is an entry in ClinVar:

NM_001040108.2(MLH3):c.2740G>A (p.Val914Met)

Gene: MLH3 (mutL homolog 3; minus strand). Cytogenetic location: 14q24.3.
Variant type: single nucleotide variant.
Coding change: c.2740G>A on transcript NM_001040108.2 (MANE Select); coding-DNA position 2740, G replaced by A.
Protein change: p.Val914Met; replaces valine 914 with methionine.
Molecular consequence: missense variant.
Genome position (GRCh38, 1-based): chr14:75,046,916, C>T on the plus strand (G>A on the coding strand, the complement: MLH3 is on the minus strand). VCF-style: chr14-75046916-C-T. GRCh37 (hg19) VCF-style: chr14-75513619-C-T.
Other names: c.2740G>A, p.Val914Met (NM_014381.3); short protein forms V914M.
Identifiers: ClinVar variation 1795436 (VCV001795436.4), dbSNP rs767473663, ClinGen allele CA7275646.

ClinVar aggregate classification (germline): Uncertain significance (1 of 4 stars; one submission).

Allele frequency attached by ClinVar (database versions not stated): gnomAD exomes below 0.00001; ExAC 0.00001.
gnomAD v4.1: 5 of 1,614,082 alleles (0.00031%); highest among the groups gnomAD compares: Non-Finnish European, 0.00034%; no homozygotes.

Submission:

Ambry Genetics
Classification: Uncertain significance. Last evaluated: 2025-10-19. Review status: criteria provided, single submitter. Criteria: Ambry Variant Classification Scheme 2023. Collection method: clinical testing. Allele origin: germline.
Comment: The p.V914M variant (also known as c.2740G>A), located in coding exon 1 of the MLH3 gene, results from a G to A substitution at nucleotide position 2740. The valine at codon 914 is replaced by methionine, an amino acid with highly similar properties. This amino acid position is poorly conserved in available vertebrate species. In addition, this alteration is predicted to be tolerated by in silico analysis. Since supporting evidence is limited at this time, the clinical significance of this alteration remains unclear.